The following is an entry in ClinVar:

NM_012123.4(MTO1):c.416A>C (p.Gln139Pro)

Gene: MTO1 (mitochondrial tRNA translation optimization 1; plus strand). Cytogenetic location: 6q13.
Variant type: single nucleotide variant.
Coding change: c.416A>C on transcript NM_012123.4 (MANE Select); coding-DNA position 416, A replaced by C.
Protein change: p.Gln139Pro; replaces glutamine 139 with proline.
Molecular consequence: missense variant.
Genome position (GRCh38, 1-based): chr6:73,466,407, A>C. VCF-style: chr6-73466407-A-C. GRCh37 (hg19) VCF-style: chr6-74176130-A-C.
Other names: c.416A>C, p.Gln139Pro (NM_001123226.2, NM_133645.3); short protein forms Q139P.
Identifiers: ClinVar variation 2000347 (VCV002000347.2), dbSNP rs2533245728, ClinGen allele CA364712889.

ClinVar aggregate classification (germline): Uncertain significance (1 of 4 stars; one submission).

Conditions:
Mitochondrial hypertrophic cardiomyopathy with lactic acidosis due to MTO1 deficiency. Also called: Combined oxidative phosphorylation deficiency 10; CARDIOMYOPATHY, INFANTILE HYPERTROPHIC MITOCHONDRIAL, AND LACTIC ACIDOSIS. Identifiers: Orphanet 314637, MedGen C4749921, MONDO:0013865, OMIM 614702.

Submission:

Labcorp Genetics (formerly Invitae), Labcorp
Classification: Uncertain significance for Mitochondrial hypertrophic cardiomyopathy with lactic acidosis due to MTO1 deficiency. Last evaluated: 2022-05-29. Review status: criteria provided, single submitter. Criteria: Invitae Variant Classification Sherloc (09022015). Collection method: clinical testing. Allele origin: germline.
Comment: Algorithms developed to predict the effect of missense changes on protein structure and function are either unavailable or do not agree on the potential impact of this missense change (SIFT: "Deleterious"; PolyPhen-2: "Probably Damaging"; Align-GVGD: "Class C0"). This sequence change replaces glutamine, which is neutral and polar, with proline, which is neutral and non-polar, at codon 139 of the MTO1 protein (p.Gln139Pro). This variant is not present in population databases (gnomAD no frequency). This variant has not been reported in the literature in individuals affected with MTO1-related conditions. In summary, the available evidence is currently insufficient to determine the role of this variant in disease. Therefore, it has been classified as a Variant of Uncertain Significance.